The following is an entry in ClinVar:

NM_020822.3(KCNT1):c.3574C>T (p.Pro1192Ser)

Gene: KCNT1 (potassium sodium-activated channel subfamily T member 1; plus strand). Cytogenetic location: 9q34.3.
Variant type: single nucleotide variant.
Coding change: c.3574C>T on transcript NM_020822.3 (MANE Select); coding-DNA position 3574, C replaced by T.
Protein change: p.Pro1192Ser; replaces proline 1192 with serine.
Molecular consequence: missense variant.
Genome position (GRCh38, 1-based): chr9:135,791,868, C>T. VCF-style: chr9-135791868-C-T. GRCh37 (hg19) VCF-style: chr9-138683714-C-T.
Other names: c.3502C>T, p.Pro1168Ser (NM_001272003.2); short protein forms P1168S, P1192S.
Identifiers: ClinVar variation 1002217 (VCV001002217.9), dbSNP rs1445788992, ClinGen allele CA375494062.

ClinVar aggregate classification (germline): Uncertain significance (1 of 4 stars; one submission).

Conditions:
Autosomal dominant nocturnal frontal lobe epilepsy 5. Also called: KCNT1-Related Epilepsy; CILIARY DYSKINESIA, PRIMARY, 28, WITHOUT SITUS INVERSUS; CILIARY DYSKINESIA, PRIMARY, 28, WITH SITUS INVERSUS; Epilepsy, nocturnal frontal lobe, 5. Identifiers: Orphanet 98784, MedGen C3554306, MONDO:0014002, OMIM 615005.
Developmental and epileptic encephalopathy, 14 (DEE14). Also called: Early infantile epileptic encephalopathy 14. Identifiers: Orphanet 293181, MedGen C3554195, MONDO:0013989, OMIM 614959.

Submission:

Labcorp Genetics (formerly Invitae), Labcorp
Classification: Uncertain significance for Autosomal dominant nocturnal frontal lobe epilepsy 5; Developmental and epileptic encephalopathy, 14. Last evaluated: 2022-07-26. Review status: criteria provided, single submitter. Criteria: Invitae Variant Classification Sherloc (09022015). Collection method: clinical testing. Allele origin: germline.
Comment: This variant has not been reported in the literature in individuals affected with KCNT1-related conditions. This variant is not present in population databases (gnomAD no frequency). This sequence change replaces proline, which is neutral and non-polar, with serine, which is neutral and polar, at codon 1192 of the KCNT1 protein (p.Pro1192Ser). ClinVar contains an entry for this variant (Variation ID: 1002217). In summary, the available evidence is currently insufficient to determine the role of this variant in disease. Therefore, it has been classified as a Variant of Uncertain Significance. Advanced modeling of protein sequence and biophysical properties (such as structural, functional, and spatial information, amino acid conservation, physicochemical variation, residue mobility, and thermodynamic stability) performed at Invitae indicates that this missense variant is not expected to disrupt KCNT1 protein function.